The following is an entry in ClinVar:

NM_178013.4(PRIMA1):c.99G>A (p.Thr33=)

Gene: PRIMA1 (proline rich membrane anchor 1; minus strand). Cytogenetic location: 14q32.12.
Variant type: single nucleotide variant.
Coding change: c.99G>A on transcript NM_178013.4 (MANE Select); coding-DNA position 99, G replaced by A.
Protein change: p.Thr33=; no amino-acid change (threonine 33 retained).
Molecular consequence: synonymous variant.
Genome position (GRCh38, 1-based): chr14:93,779,306, C>T on the plus strand (G>A on the coding strand, the complement: PRIMA1 is on the minus strand). VCF-style: chr14-93779306-C-T. GRCh37 (hg19) VCF-style: chr14-94245652-C-T.
Identifiers: ClinVar variation 586378 (VCV000586378.14), dbSNP rs4900195, ClinGen allele CA7323106.

ClinVar aggregate classification (germline): Benign. Review status: criteria provided, multiple submitters, no conflicts (2 of 4 stars). 4 submissions from 4 submitters: Benign (3). 1 of the submissions does not count toward it. Last evaluated 2026-02-03.

Conditions:
PRIMA1-related disorder. Also called: PRIMA1-related condition.
Familial sleep-related hypermotor epilepsy. Also called: Autosomal Dominant Sleep-Related Hypermotor (Hyperkinetic) Epilepsy. Identifiers: Orphanet 98784, MedGen C3696898, MONDO:0000030.

Allele frequency attached by ClinVar (database versions not stated): 1000 Genomes Project 0.36302; 1000 Genomes Project 30x 0.36602; TOPMed 0.43140; ESP Exome Variant Server 0.45092.
gnomAD v4.1: 711,729 of 1,544,294 alleles (46%); highest among the groups gnomAD compares: Non-Finnish European, 49%; 168,308 homozygotes.

Submissions (4):

Labcorp Genetics (formerly Invitae), Labcorp
Classification: Benign for Familial sleep-related hypermotor epilepsy. Last evaluated: 2026-02-03. Review status: criteria provided, single submitter. Criteria: Invitae Variant Classification Sherloc (09022015). Collection method: clinical testing. Allele origin: germline.

Athena Diagnostics
Classification: Benign. Last evaluated: 2017-04-20. Review status: criteria provided, single submitter. Criteria: Athena Diagnostics Criteria. Collection method: clinical testing. Allele origin: germline.

Breakthrough Genomics
Classification: Benign. Review status: criteria provided, single submitter. Criteria: ACMG Guidelines, 2015. Collection method: not provided. Allele origin: germline. Inheritance: Unknown mechanism. Affected: yes.

PreventionGenetics, part of Exact Sciences
Classification: Benign for PRIMA1-related condition. Last evaluated: 2019-07-16. Review status: no assertion criteria provided. Collection method: clinical testing. Allele origin: germline. Not counted in ClinVar's aggregate classification.
Comment: This variant is classified as benign based on ACMG/AMP sequence variant interpretation guidelines (Richards et al. 2015 PMID: 25741868, with internal and published modifications).